The following is an entry in ClinVar:

ClinVar aggregate classification (germline): Uncertain significance. Review status: criteria provided, multiple submitters, no conflicts (2 of 4 stars). 2 submissions from 2 submitters: Uncertain significance (2). Last evaluated 2022-09-07.

Conditions:
Regional enteritis. Also called: Enteritis, Granulomatous. Identifiers: MedGen C0678202, MeSH D003424.
Blau syndrome (BLAUS). Also called: ARTHROCUTANEOUVEAL GRANULOMATOSIS; GRANULOMATOSIS, FAMILIAL JUVENILE SYSTEMIC; GRANULOMATOSIS, FAMILIAL, BLAU TYPE; GRANULOMATOUS INFLAMMATORY ARTHRITIS, DERMATITIS, AND UVEITIS, FAMILIAL; JABS SYNDROME. Identifiers: Orphanet 90340, MedGen C5201146, MONDO:0008523, OMIM 186580.

gnomAD v4.1: 7 of 1,612,252 alleles (0.00043%); highest among the groups gnomAD compares: Middle Eastern, 0.017%; no homozygotes.

Submissions (2):

Labcorp Genetics (formerly Invitae), Labcorp
Classification: Uncertain significance for Regional enteritis; Blau syndrome. Last evaluated: 2022-09-07. Review status: criteria provided, single submitter. Criteria: Invitae Variant Classification Sherloc (09022015). Collection method: clinical testing. Allele origin: germline.
Comment: In summary, the available evidence is currently insufficient to determine the role of this variant in disease. Therefore, it has been classified as a Variant of Uncertain Significance. Advanced modeling of protein sequence and biophysical properties (such as structural, functional, and spatial information, amino acid conservation, physicochemical variation, residue mobility, and thermodynamic stability) performed at Invitae indicates that this missense variant is not expected to disrupt NOD2 protein function. ClinVar contains an entry for this variant (Variation ID: 493181). This variant has not been reported in the literature in individuals affected with NOD2-related conditions. This variant is not present in population databases (gnomAD no frequency). This sequence change replaces alanine, which is neutral and non-polar, with serine, which is neutral and polar, at codon 211 of the NOD2 protein (p.Ala211Ser).

CeGaT Center for Human Genetics Tuebingen
Classification: Uncertain significance. Last evaluated: 2017-09-01. Review status: criteria provided, single submitter. Criteria: CeGaT Center For Human Genetics Tuebingen Variant Classification Criteria Version 2. Collection method: clinical testing. Allele origin: germline. Affected: yes. Observed: 1 variant allele.

NM_001370466.1(NOD2):c.550G>T (p.Ala184Ser)

Gene: NOD2 (nucleotide binding oligomerization domain containing 2; plus strand). Cytogenetic location: 16q12.1.
Variant type: single nucleotide variant.
Coding change: c.550G>T on transcript NM_001370466.1 (MANE Select); coding-DNA position 550, G replaced by T.
Protein change: p.Ala184Ser; replaces alanine 184 with serine.
Molecular consequence: missense variant. On other transcripts: non-coding transcript variant (1).
Genome position (GRCh38, 1-based): chr16:50,707,945, G>T. VCF-style: chr16-50707945-G-T. GRCh37 (hg19) VCF-style: chr16-50741856-G-T.
Other names: c.550G>T, p.Ala184Ser (NM_001293557.2); c.631G>T, p.Ala211Ser (NM_022162.3); short protein forms A211S, A184S.
Identifiers: ClinVar variation 493181 (VCV000493181.47), dbSNP rs771887760, ClinGen allele CA395867222.